The following is an entry in ClinVar:

ClinVar aggregate classification (germline): Uncertain significance (1 of 4 stars; one submission).

Conditions:
Brunner syndrome (BRNRS). Identifiers: Orphanet 3057, MedGen C0796275, MONDO:0010379, OMIM 300615.

Allele frequency attached by ClinVar (database versions not stated): gnomAD exomes 0.00003 and 0.00007; ExAC 0.00006; ESP Exome Variant Server 0.00019; gnomAD 0.00025 and 0.00027; TOPMed 0.00036; 1000 Genomes Project 30x 0.00042; 1000 Genomes Project 0.00053.

Submission:

Labcorp Genetics (formerly Invitae), Labcorp
Classification: Uncertain significance for Brunner syndrome. Last evaluated: 2025-10-27. Review status: criteria provided, single submitter. Criteria: Invitae Variant Classification Sherloc (09022015). Collection method: clinical testing. Allele origin: germline.
Comment: This sequence change replaces valine, which is neutral and non-polar, with isoleucine, which is neutral and non-polar, at codon 481 of the MAOA protein (p.Val481Ile). This variant is present in population databases (rs183147374, gnomAD 0.05%), and has an allele count higher than expected for a pathogenic variant. This variant has not been reported in the literature in individuals affected with MAOA-related conditions. ClinVar contains an entry for this variant (Variation ID: 1394005). An algorithm developed to predict the effect of missense changes on protein structure and function (PolyPhen-2) suggests that this variant is likely to be tolerated. In summary, the available evidence is currently insufficient to determine the role of this variant in disease. Therefore, it has been classified as a Variant of Uncertain Significance.

NM_000240.4(MAOA):c.1441G>A (p.Val481Ile)

Gene: MAOA (monoamine oxidase A; plus strand). Cytogenetic location: Xp11.3.
Variant type: single nucleotide variant.
Coding change: c.1441G>A on transcript NM_000240.4 (MANE Select); coding-DNA position 1441, G replaced by A.
Protein change: p.Val481Ile; replaces valine 481 with isoleucine.
Molecular consequence: missense variant.
Genome position (GRCh38, 1-based): chrX:43,744,370, G>A. VCF-style: chrX-43744370-G-A. GRCh37 (hg19) VCF-style: chrX-43603617-G-A.
Other names: c.1042G>A, p.Val348Ile (NM_001270458.2); short protein forms V348I, V481I.
Identifiers: ClinVar variation 1394005 (VCV001394005.6), dbSNP rs183147374, ClinGen allele CA10390994.